The following is an entry in ClinVar:

ClinVar aggregate classification (germline): Conflicting classifications of pathogenicity. Review status: criteria provided, conflicting classifications (1 of 4 stars). 3 submissions from 3 submitters: Uncertain significance (2); Likely benign (1). Last evaluated 2026-04-27.

Conditions:
Inborn genetic diseases. Identifiers: MedGen C0950123, MeSH D030342.

Allele frequency attached by ClinVar (database versions not stated): TOPMed 0.00003; gnomAD 0.00005 and 0.00001; gnomAD exomes 0.00010 and 0.00022; 1000 Genomes Project 0.00020; 1000 Genomes Project 30x 0.00031; ExAC 0.00059.
gnomAD v4.1: 144 of 1,558,492 alleles (0.0092%); highest among the groups gnomAD compares: South Asian, 0.14%; 2 homozygotes.

Submissions (3):

Women's Health and Genetics/Laboratory Corporation of America, LabCorp
Classification: Uncertain significance. Last evaluated: 2026-04-27. Review status: criteria provided, single submitter. Criteria: LabCorp Variant Classification Summary - May 2015. Collection method: clinical testing. Allele origin: germline.
Comment: Variant summary: CACNA1D c.1493G>A (p.Arg498Gln) results in a conservative amino acid change in the encoded protein sequence. Algorithms developed to predict the effect of missense changes on protein structure and function are either unavailable or do not agree on the potential impact of this missense change. The variant allele was found at a frequency of 0.00022 in 166616 control chromosomes. This frequency is not significantly higher than estimated for disease-causing variants in CACNA1D, allowing no conclusion about variant significance. To our knowledge, no occurrence of c.1493G>A in individuals affected with CACNA1D-related conditions and no experimental evidence demonstrating its impact on protein function have been reported. ClinVar contains an entry for this variant (Variation ID: 1507105). Based on the evidence outlined above, the variant was classified as uncertain significance.

Labcorp Genetics (formerly Invitae), Labcorp
Classification: Likely benign. Last evaluated: 2025-02-04. Review status: criteria provided, single submitter. Criteria: Invitae Variant Classification Sherloc (09022015). Collection method: clinical testing. Allele origin: germline.

Ambry Genetics
Classification: Uncertain significance for Inborn genetic diseases. Last evaluated: 2023-03-17. Review status: criteria provided, single submitter. Criteria: Ambry Variant Classification Scheme 2023. Collection method: clinical testing. Allele origin: germline.

NM_000720.4(CACNA1D):c.1493G>A (p.Arg498Gln)

Gene: CACNA1D (calcium voltage-gated channel subunit alpha1 D; plus strand). Cytogenetic location: 3p21.1.
Variant type: single nucleotide variant.
Coding change: c.1493G>A on transcript NM_000720.4 (MANE Plus Clinical); coding-DNA position 1493, G replaced by A.
Protein change: p.Arg498Gln; replaces arginine 498 with glutamine.
Molecular consequence: missense variant. On other transcripts: intron variant (2).
Genome position (GRCh38, 1-based): chr3:53,718,696, G>A. VCF-style: chr3-53718696-G-A. GRCh37 (hg19) VCF-style: chr3-53752723-G-A.
Other names: c.1478+308G>A (NM_001128840.3, NM_001128839.3); c.1493G>A (NM_000720.2); short protein forms R498Q.
Identifiers: ClinVar variation 1507105 (VCV001507105.13), dbSNP rs549378386, ClinGen allele CA2453971.